The following is an entry in ClinVar:

NM_006147.4(IRF6):c.635G>A (p.Ser212Asn)

Gene: IRF6 (interferon regulatory factor 6; minus strand). Cytogenetic location: 1q32.2.
Variant type: single nucleotide variant.
Coding change: c.635G>A on transcript NM_006147.4 (MANE Select); coding-DNA position 635, G replaced by A.
Protein change: p.Ser212Asn; replaces serine 212 with asparagine.
Molecular consequence: missense variant.
Genome position (GRCh38, 1-based): chr1:209,792,301, C>T on the plus strand (G>A on the coding strand, the complement: IRF6 is on the minus strand). VCF-style: chr1-209792301-C-T. GRCh37 (hg19) VCF-style: chr1-209965646-C-T.
Other names: c.350G>A, p.Ser117Asn (NM_001206696.2); short protein forms S212N, S117N.
Identifiers: ClinVar variation 559494 (VCV000559494.2), dbSNP rs1553247880, ClinGen allele CA344578950.

ClinVar aggregate classification (germline): Benign (0 of 4 stars; one submission).

Conditions:
Orofacial cleft 10 (OFC10). Also called: CLEFT LIP WITH OR WITHOUT CLEFT PALATE, NONSYNDROMIC, 10. Identifiers: MedGen C1866070, MONDO:0013378, OMIM 613705.

Allele frequency attached by ClinVar (database versions not stated): gnomAD exomes below 0.00001.

Submission:

Pharmacology and Genetics Laboratory, Bauru School of Dentistry, University of Sao Paulo
Classification: Benign for Orofacial cleft 10. Review status: no assertion criteria provided. Collection method: case-control. Allele origin: unknown. Affected: yes. Observed: 1 variant allele.
Comment: In silico analysis revealed polyphen prediction benign with polyphen score 0.203. Provean protein Batch - SIFT was predicted as tolerated with score 0.20. Mutation tester predicted disease causing.

Literature cited by the submitters: PubMed 27834299; PubMed 26346622; PubMed 28762675.